The following is an entry in ClinVar:

ClinVar aggregate classification (germline): Pathogenic/Likely pathogenic. Review status: criteria provided, multiple submitters, no conflicts (2 of 4 stars). 2 submissions from 2 submitters: Pathogenic (1); Likely pathogenic (1). Last evaluated 2026-07-22.

Conditions:
Waardenburg syndrome type 1 (WS1). Also called: WAARDENBURG SYNDROME WITH DYSTOPIA CANTHORUM; Waardenburg Syndrome Type I. Identifiers: Orphanet 894, MedGen C1847800, MONDO:0008670, OMIM 193500.

Submissions (2):

GeneDx
Classification: Likely pathogenic. Last evaluated: 2026-07-22. Review status: criteria provided, single submitter. Criteria: GeneDx Variant Classification Process June 2021. Collection method: clinical testing. Allele origin: germline.
Comment: Not observed at significant frequency in large population cohorts (gnomAD); In silico analysis supports that this missense variant has a deleterious effect on protein structure/function; Has not been previously published as pathogenic or benign to our knowledge

Institute of Human Genetics, University of Leipzig Medical Center
Classification: Pathogenic for Waardenburg syndrome type 1. Last evaluated: 2024-01-12. Review status: criteria provided, single submitter. Criteria: ACMG Guidelines, 2015. Collection method: clinical testing. Allele origin: de novo. Inheritance: Autosomal dominant inheritance. Affected: yes.
Comment: Criteria applied: PM5_STR,PS2_MOD,PM1,PM2_SUP,PP3

NM_181458.4(PAX3):c.238C>T (p.His80Tyr)

Gene: PAX3 (paired box 3; minus strand). Cytogenetic location: 2q36.1.
Variant type: single nucleotide variant.
Coding change: c.238C>T on transcript NM_181458.4 (MANE Select); coding-DNA position 238, C replaced by T.
Protein change: p.His80Tyr; replaces histidine 80 with tyrosine.
Molecular consequence: missense variant.
Genome position (GRCh38, 1-based): chr2:222,297,061, G>A on the plus strand (C>T on the coding strand, the complement: PAX3 is on the minus strand). VCF-style: chr2-222297061-G-A. GRCh37 (hg19) VCF-style: chr2-223161780-G-A.
Other names: c.238C>T, p.His80Tyr (NM_000438.6, NM_001127366.3, NM_013942.5 and 4 more transcripts); short protein forms H80Y.
Identifiers: ClinVar variation 2136213 (VCV002136213.3), dbSNP rs387906947, ClinGen allele CA351113523.